The following is an entry in ClinVar:

ClinVar aggregate classification (germline): Likely pathogenic (1 of 4 stars; one submission).

Submission:

GeneDx
Classification: Likely pathogenic. Last evaluated: 2026-09-30. Review status: criteria provided, single submitter. Criteria: GeneDx Variant Classification Process June 2021. Collection method: clinical testing. Allele origin: germline.
Comment: Not observed at significant frequency in large population cohorts (gnomAD); In silico analysis suggests that this missense variant does not alter protein structure/function; This variant is associated with the following publications: (PMID: 26845707)

NM_001282531.3(ADNP):c.1327A>G (p.Thr443Ala)

Gene: ADNP (activity dependent neuroprotector homeobox; minus strand). Cytogenetic location: 20q13.13.
Variant type: single nucleotide variant.
Coding change: c.1327A>G on transcript NM_001282531.3 (MANE Select); coding-DNA position 1327, A replaced by G.
Protein change: p.Thr443Ala; replaces threonine 443 with alanine.
Molecular consequence: missense variant.
Genome position (GRCh38, 1-based): chr20:50,893,387, T>C on the plus strand (A>G on the coding strand, the complement: ADNP is on the minus strand). VCF-style: chr20-50893387-T-C. GRCh37 (hg19) VCF-style: chr20-49509924-T-C.
Other names: c.1327A>G, p.Thr443Ala (NM_001282532.2, NM_001347511.2, NM_015339.5 and 1 more transcripts); short protein forms T443A.
Identifiers: ClinVar variation 3340676 (VCV003340676.2).
Genomic context (GRCh38, chr20:50,893,387, plus strand): 5'-CACTATAGACATTTTCAGGAAAAAGCTCATTACAGATTGTACATATTTTCCACTTTTGAG[T>C]TGAGGAAGTGTTACCTGGGGGAGGGCCTGTGGCAGCTGCAGCAGGTTTGGAACTGGACTG-3'
Protein context (NP_001269460.1, residues 433-453): TGPPPGNTSS[Thr443Ala]QKWKICTICN